The following is an entry in ClinVar:

ClinVar aggregate classification (germline): Likely pathogenic (1 of 4 stars; one submission).

Conditions:
8q24.3 microdeletion syndrome. Also called: CHROMOSOME 8q24.3 DELETION SYNDROME; Verheij syndrome. Identifiers: Orphanet 508488, MedGen C3810023, MONDO:0014263, OMIM 615583.

Submission:

Laboratorio de Genetica e Diagnostico Molecular, Hospital Israelita Albert Einstein
Classification: Likely pathogenic for 8q24.3 microdeletion syndrome. Last evaluated: 2024-04-26. Review status: criteria provided, single submitter. Criteria: ACMG Guidelines, 2015. Collection method: clinical testing. Allele origin: germline. Affected: yes.
Comment: ACMG classification criteria: PVS1 very strong, PM2 supporting

NM_078480.3(PUF60):c.604-1G>C

Gene: PUF60 (poly(U) binding splicing factor 60; minus strand). Cytogenetic location: 8q24.3.
Variant type: single nucleotide variant.
Coding change: c.604-1G>C on transcript NM_078480.3 (MANE Select); the canonical splice acceptor site of the intron before coding-DNA position 604, G replaced by C.
Molecular consequence: splice acceptor variant.
Genome position (GRCh38, 1-based): chr8:143,818,076, C>G on the plus strand (G>C on the coding strand, the complement: PUF60 is on the minus strand). VCF-style: chr8-143818076-C-G. GRCh37 (hg19) VCF-style: chr8-144900246-C-G.
Other names: c.466-1G>C (NM_001271097.2); c.517-1G>C (NM_001271099.2); c.550-1G>C (NM_001271096.2); c.601-1G>C (NM_001271098.2); c.553-1G>C (NM_014281.5); c.424-1G>C (NM_001271100.2); c.475-1G>C (NM_001136033.3); c.664-1G>C (NM_001362897.2); and 1 more.
Identifiers: ClinVar variation 4076309 (VCV004076309.1).